The following is an entry in ClinVar:

NM_000916.4(OXTR):c.1041C>T (p.Cys347=)

Gene: OXTR (oxytocin receptor; minus strand). Cytogenetic location: 3p25.3.
Variant type: single nucleotide variant.
Coding change: c.1041C>T on transcript NM_000916.4 (MANE Select); coding-DNA position 1041, C replaced by T.
Protein change: p.Cys347=; no amino-acid change (cysteine 347 retained).
Molecular consequence: synonymous variant.
Genome position (GRCh38, 1-based): chr3:8,753,106, G>A on the plus strand (C>T on the coding strand, the complement: OXTR is on the minus strand). VCF-style: chr3-8753106-G-A. GRCh37 (hg19) VCF-style: chr3-8794792-G-A.
Other names: c.1041C>T, p.Cys347= (NM_001354653.2, NM_001354654.2, NM_001354655.2 and 1 more transcripts).
Identifiers: ClinVar variation 5039592 (VCV005039592.1).

ClinVar aggregate classification (germline): Likely benign (1 of 4 stars; one submission).

gnomAD v4.1: 5 of 1,614,170 alleles (0.00031%); highest among the groups gnomAD compares: Admixed American, 0.0017%; no homozygotes.

Submission:

CeGaT Center for Human Genetics Tuebingen
Classification: Likely benign. Last evaluated: 2026-07-01. Review status: criteria provided, single submitter. Criteria: CeGaT Center For Human Genetics Tuebingen Variant Classification Criteria Version 2. Collection method: clinical testing. Allele origin: germline. Affected: yes. Observed: 1 variant allele.
Comment: OXTR: BP4, BP7